The following is an entry in ClinVar:

ClinVar aggregate classification (germline): Uncertain significance (1 of 4 stars; one submission).

Submission:

Labcorp Genetics (formerly Invitae), Labcorp
Classification: Uncertain significance. Last evaluated: 2022-07-19. Review status: criteria provided, single submitter. Criteria: Invitae Variant Classification Sherloc (09022015). Collection method: clinical testing. Allele origin: germline.
Comment: In summary, the available evidence is currently insufficient to determine the role of this variant in disease. Therefore, it has been classified as a Variant of Uncertain Significance. Algorithms developed to predict the effect of missense changes on protein structure and function are either unavailable or do not agree on the potential impact of this missense change (SIFT: "Not Available"; PolyPhen-2: "Possibly Damaging"; Align-GVGD: "Not Available"). ClinVar contains an entry for this variant (Variation ID: 1409022). This variant has not been reported in the literature in individuals affected with VPS13D-related conditions. This variant is not present in population databases (gnomAD no frequency). This sequence change replaces glycine, which is neutral and non-polar, with valine, which is neutral and non-polar, at codon 3978 of the VPS13D protein (p.Gly3978Val).

NM_015378.4(VPS13D):c.11933G>T (p.Gly3978Val)

Gene: VPS13D (vacuolar protein sorting 13 homolog D; plus strand). Cytogenetic location: 1p36.22.
Variant type: single nucleotide variant.
Coding change: c.11933G>T on transcript NM_015378.4 (MANE Select); coding-DNA position 11933, G replaced by T.
Protein change: p.Gly3978Val; replaces glycine 3978 with valine.
Molecular consequence: missense variant.
Genome position (GRCh38, 1-based): chr1:12,403,876, G>T. VCF-style: chr1-12403876-G-T. GRCh37 (hg19) VCF-style: chr1-12463929-G-T.
Other names: c.11858G>T, p.Gly3953Val (NM_018156.4); short protein forms G3953V, G3978V.
Identifiers: ClinVar variation 1409022 (VCV001409022.6), dbSNP rs2101687370, ClinGen allele CA338485958.
Genomic context (GRCh38, chr1:12,403,876, plus strand): 5'-TTGTACCAGAGGTGGAAAAATATGATGAAAACCTCCATGAAAAGACAGCTGAGCAAGGTG[G>T]AACACCAATTCGATACTACTTTGAAAATCTCAAAATCAGCATTCCTCAGATCAAGCTAAG-3'
Protein context (NP_056193.2, residues 3968-3988): NLHEKTAEQG[Gly3978Val]TPIRYYFENL